The following is an entry in ClinVar:

ClinVar aggregate classification (germline): Likely benign. Review status: criteria provided, multiple submitters, no conflicts (2 of 4 stars). 2 submissions from 2 submitters: Likely benign (2). Last evaluated 2025-07-19.

Conditions:
Fanconi anemia (FA). Also called: Fanconi's anemia. Identifiers: Orphanet 84, MedGen C0015625, MeSH D005199, MONDO:0019391.

Allele frequency attached by ClinVar (database versions not stated): ExAC 0.00002; gnomAD exomes 0.00002; gnomAD 0.00003 and 0.00004.
gnomAD v4.1: 29 of 1,614,084 alleles (0.0018%); highest among the groups gnomAD compares: Admixed American, 0.012%; no homozygotes.

Submissions (2):

Labcorp Genetics (formerly Invitae), Labcorp
Classification: Likely benign for Fanconi anemia. Last evaluated: 2025-07-19. Review status: criteria provided, single submitter. Criteria: Invitae Variant Classification Sherloc (09022015). Collection method: clinical testing. Allele origin: germline.

CeGaT Center for Human Genetics Tuebingen
Classification: Likely benign. Last evaluated: 2022-03-01. Review status: criteria provided, single submitter. Criteria: CeGaT Center For Human Genetics Tuebingen Variant Classification Criteria Version 2. Collection method: clinical testing. Allele origin: germline. Affected: yes. Observed: 1 variant allele.
Comment: SLX4: BP4, BP7

NM_032444.4(SLX4):c.570T>G (p.Pro190=)

Gene: SLX4 (SLX4 structure-specific endonuclease subunit; minus strand). Cytogenetic location: 16p13.3.
Variant type: single nucleotide variant.
Coding change: c.570T>G on transcript NM_032444.4 (MANE Select); coding-DNA position 570, T replaced by G.
Protein change: p.Pro190=; no amino-acid change (proline 190 retained).
Molecular consequence: synonymous variant.
Genome position (GRCh38, 1-based): chr16:3,606,664, A>C on the plus strand (T>G on the coding strand, the complement: SLX4 is on the minus strand). VCF-style: chr16-3606664-A-C. GRCh37 (hg19) VCF-style: chr16-3656665-A-C.
Identifiers: ClinVar variation 1080844 (VCV001080844.34), dbSNP rs764067884, ClinGen allele CA7866819.